The following is an entry in ClinVar:

NM_002230.4(JUP):c.1864G>C (p.Asp622His)

Gene: JUP (junction plakoglobin; minus strand). Cytogenetic location: 17q21.2.
Variant type: single nucleotide variant.
Coding change: c.1864G>C on transcript NM_002230.4 (MANE Select); coding-DNA position 1864, G replaced by C.
Protein change: p.Asp622His; replaces aspartic acid 622 with histidine.
Molecular consequence: missense variant.
Genome position (GRCh38, 1-based): chr17:41,757,694, C>G on the plus strand (G>C on the coding strand, the complement: JUP is on the minus strand). VCF-style: chr17-41757694-C-G. GRCh37 (hg19) VCF-style: chr17-39913946-C-G.
Other names: c.1864G>C, p.Asp622His (NM_001352773.2, NM_001352774.2, NM_001352775.2 and 3 more transcripts); short protein forms D622H.
Identifiers: ClinVar variation 3894548 (VCV003894548.1).

ClinVar aggregate classification (germline): Uncertain significance (1 of 4 stars; one submission).

Conditions:
Arrhythmogenic right ventricular dysplasia 12. Also called: ARRHYTHMOGENIC RIGHT VENTRICULAR DYSPLASIA, FAMILIAL, 12. Identifiers: MedGen C1969081, MONDO:0012684, OMIM 611528.

Submission:

MVZ Medizinische Genetik Mainz
Classification: Uncertain significance for Arrhythmogenic right ventricular dysplasia 12. Last evaluated: 2025-03-31. Review status: criteria provided, single submitter. Criteria: UK Practice Guidelines For Variant Classification V4 01 2020. Collection method: clinical testing. Allele origin: germline. Inheritance: Autosomal dominant inheritance. Affected: yes. Observed: 1 variant allele.
Comment: ACMG Criteria: PM2_SUP